The following is an entry in ClinVar:

NM_001563.4(IMPG1):c.1292A>C (p.Asp431Ala)

Gene: IMPG1 (interphotoreceptor matrix proteoglycan 1; minus strand). Cytogenetic location: 6q14.1.
Variant type: single nucleotide variant.
Coding change: c.1292A>C on transcript NM_001563.4 (MANE Select); coding-DNA position 1292, A replaced by C.
Protein change: p.Asp431Ala; replaces aspartic acid 431 with alanine.
Molecular consequence: missense variant.
Genome position (GRCh38, 1-based): chr6:75,951,094, T>G on the plus strand (A>C on the coding strand, the complement: IMPG1 is on the minus strand). VCF-style: chr6-75951094-T-G. GRCh37 (hg19) VCF-style: chr6-76660811-T-G.
Other names: c.1058A>C, p.Asp353Ala (NM_001282368.2); short protein forms D353A, D431A.
Identifiers: ClinVar variation 3726435 (VCV003726435.2).

ClinVar aggregate classification (germline): Uncertain significance (1 of 4 stars; one submission).

Submission:

Labcorp Genetics (formerly Invitae), Labcorp
Classification: Uncertain significance. Last evaluated: 2024-12-02. Review status: criteria provided, single submitter. Criteria: Invitae Variant Classification Sherloc (09022015). Collection method: clinical testing. Allele origin: germline.
Comment: This sequence change replaces aspartic acid, which is acidic and polar, with alanine, which is neutral and non-polar, at codon 431 of the IMPG1 protein (p.Asp431Ala). This variant is not present in population databases (gnomAD no frequency). This variant has not been reported in the literature in individuals affected with IMPG1-related conditions. An algorithm developed to predict the effect of missense changes on protein structure and function (PolyPhen-2) suggests that this variant is likely to be tolerated. In summary, the available evidence is currently insufficient to determine the role of this variant in disease. Therefore, it has been classified as a Variant of Uncertain Significance.